The following is an entry in ClinVar:

ClinVar aggregate classification (germline): Uncertain significance. Review status: criteria provided, multiple submitters, no conflicts (2 of 4 stars). 2 submissions from 2 submitters: Uncertain significance (2). Last evaluated 2023-08-07.

Conditions:
Hereditary cancer-predisposing syndrome. Also called: Hereditary Cancer Syndrome; Tumor predisposition; Hereditary neoplastic syndrome; Neoplastic Syndromes, Hereditary. Identifiers: Orphanet 140162, MedGen C0027672, MeSH D009386, MONDO:0015356.
Familial cancer of breast. Also called: hereditary breast carcinoma; Hereditary breast cancer; BREAST CANCER, FAMILIAL. Identifiers: Orphanet 227535, MedGen C0346153, MONDO:0016419, OMIM 114480. Disease mechanism: loss of function.

Submissions (2):

Labcorp Genetics (formerly Invitae), Labcorp
Classification: Uncertain significance for Familial cancer of breast. Last evaluated: 2023-08-07. Review status: criteria provided, single submitter. Criteria: Invitae Variant Classification Sherloc (09022015). Collection method: clinical testing. Allele origin: germline.
Comment: In summary, the available evidence is currently insufficient to determine the role of this variant in disease. Therefore, it has been classified as a Variant of Uncertain Significance. Experimental studies have shown that this missense change affects CHEK2 function (PMID: 16835864). An algorithm developed to predict the effect of missense changes on protein structure and function (PolyPhen-2) suggests that this variant is likely to be disruptive. ClinVar contains an entry for this variant (Variation ID: 645746). This variant has not been reported in the literature in individuals affected with CHEK2-related conditions. This variant is not present in population databases (gnomAD no frequency). This sequence change replaces glutamic acid, which is acidic and polar, with lysine, which is basic and polar, at codon 321 of the CHEK2 protein (p.Glu321Lys).

Ambry Genetics
Classification: Uncertain significance for Hereditary cancer-predisposing syndrome. Last evaluated: 2021-07-16. Review status: criteria provided, single submitter. Criteria: Ambry Variant Classification Scheme 2023. Collection method: clinical testing. Allele origin: germline.
Comment: The p.E321K variant (also known as c.961G>A), located in coding exon 8 of the CHEK2 gene, results from a G to A substitution at nucleotide position 961. The glutamic acid at codon 321 is replaced by lysine, an amino acid with similar properties. This alteration was identified in an individual diagnosed with prostate cancer (Wu X et al. Hum Mutat, 2006 Aug;27:742-7). This amino acid position is highly conserved in available vertebrate species. In addition, this alteration is predicted to be deleterious by in silico analysis. Since supporting evidence is limited at this time, the clinical significance of this alteration remains unclear.

Literature cited by the submitters: PubMed 16835864 (cited by Labcorp Genetics (formerly Invitae), Labcorp and Ambry Genetics).

NM_007194.4(CHEK2):c.961G>A (p.Glu321Lys)

Gene: CHEK2 (checkpoint kinase 2; minus strand). Cytogenetic location: 22q12.1.
Variant type: single nucleotide variant.
Coding change: c.961G>A on transcript NM_007194.4 (MANE Select); coding-DNA position 961, G replaced by A.
Protein change: p.Glu321Lys; replaces glutamic acid 321 with lysine.
Molecular consequence: missense variant.
Genome position (GRCh38, 1-based): chr22:28,699,885, C>T on the plus strand (G>A on the coding strand, the complement: CHEK2 is on the minus strand). VCF-style: chr22-28699885-C-T. GRCh37 (hg19) VCF-style: chr22-29095873-C-T.
Other names: c.1090G>A, p.Glu364Lys (NM_001005735.3); c.298G>A, p.Glu100Lys (NM_001257387.3); c.760G>A, p.Glu254Lys (NM_001349956.3); c.961G>A, p.Glu321Lys (NM_145862.3); short protein forms E100K, E254K, E321K, E364K.
Identifiers: ClinVar variation 645746 (VCV000645746.12), dbSNP rs1555915433, ClinGen allele CA411099802.